The following is an entry in ClinVar:

ClinVar aggregate classification (germline): Uncertain significance (1 of 4 stars; one submission).

Conditions:
MED13L-related disorder. Also called: MED13L-related condition.

Allele frequency attached by ClinVar (database versions not stated): gnomAD exomes below 0.00001.
gnomAD v4.1: 1 of 1,613,978 alleles (0.000062%); highest among the groups gnomAD compares: Non-Finnish European, 0.000085%; no homozygotes.

Submission:

PreventionGenetics, part of Exact Sciences
Classification: Uncertain significance for MED13L-related condition. Last evaluated: 2023-02-10. Review status: criteria provided, single submitter. Criteria: ACMG Guidelines, 2015. Collection method: clinical testing. Allele origin: germline.
Comment: The MED13L c.2318C>T variant is predicted to result in the amino acid substitution p.Ser773Phe. To our knowledge, this variant has not been reported in the literature or in a large population database, indicating this variant is rare. At this time, the clinical significance of this variant is uncertain due to the absence of conclusive functional and genetic evidence.

NM_015335.5(MED13L):c.2318C>T (p.Ser773Phe)

Gene: MED13L (mediator complex subunit 13L; minus strand). Cytogenetic location: 12q24.21.
Variant type: single nucleotide variant.
Coding change: c.2318C>T on transcript NM_015335.5 (MANE Select); coding-DNA position 2318, C replaced by T.
Protein change: p.Ser773Phe; replaces serine 773 with phenylalanine.
Molecular consequence: missense variant.
Genome position (GRCh38, 1-based): chr12:116,006,332, G>A on the plus strand (C>T on the coding strand, the complement: MED13L is on the minus strand). VCF-style: chr12-116006332-G-A. GRCh37 (hg19) VCF-style: chr12-116444137-G-A.
Other names: short protein forms S773F.
Identifiers: ClinVar variation 2629558 (VCV002629558.1), dbSNP rs2499901394, ClinGen allele CA386893388.